The following is an entry in ClinVar:

NM_006767.4(LZTR1):c.1360G>A (p.Glu454Lys)

Gene: LZTR1 (leucine zipper like post translational regulator 1; plus strand). Cytogenetic location: 22q11.21.
Variant type: single nucleotide variant.
Coding change: c.1360G>A on transcript NM_006767.4 (MANE Select); coding-DNA position 1360, G replaced by A.
Protein change: p.Glu454Lys; replaces glutamic acid 454 with lysine.
Molecular consequence: missense variant.
Genome position (GRCh38, 1-based): chr22:20,993,930, G>A. VCF-style: chr22-20993930-G-A. GRCh37 (hg19) VCF-style: chr22-21348219-G-A.
Other names: short protein forms E454K.
Identifiers: ClinVar variation 1347264 (VCV001347264.8), dbSNP rs771525633, ClinGen allele CA10118859.

ClinVar aggregate classification (germline): Uncertain significance. Review status: criteria provided, multiple submitters, no conflicts (2 of 4 stars). 2 submissions from 2 submitters: Uncertain significance (2). Last evaluated 2025-07-28.

Conditions:
Hereditary cancer-predisposing syndrome. Also called: Hereditary neoplastic syndrome; Tumor predisposition; Neoplastic Syndromes, Hereditary; Hereditary Cancer Syndrome. Identifiers: Orphanet 140162, MedGen C0027672, MeSH D009386, MONDO:0015356.
Cardiovascular phenotype. Identifiers: MedGen CN230736.

Allele frequency attached by ClinVar (database versions not stated): ExAC 0.00002; gnomAD exomes 0.00002.
gnomAD v4.1: 7 of 1,612,034 alleles (0.00043%); highest among the groups gnomAD compares: East Asian, 0.0022%; no homozygotes.

Submissions (2):

Labcorp Genetics (formerly Invitae), Labcorp
Classification: Uncertain significance. Last evaluated: 2025-07-28. Review status: criteria provided, single submitter. Criteria: Invitae Variant Classification Sherloc (09022015). Collection method: clinical testing. Allele origin: germline.
Comment: This sequence change replaces glutamic acid, which is acidic and polar, with lysine, which is basic and polar, at codon 454 of the LZTR1 protein (p.Glu454Lys). This variant is present in population databases (rs771525633, gnomAD 0.006%). This variant has not been reported in the literature in individuals affected with LZTR1-related conditions. ClinVar contains an entry for this variant (Variation ID: 1347264). Invitae Evidence Modeling of protein sequence and biophysical properties (such as structural, functional, and spatial information, amino acid conservation, physicochemical variation, residue mobility, and thermodynamic stability) indicates that this missense variant is not expected to disrupt LZTR1 protein function with a negative predictive value of 80%. In summary, the available evidence is currently insufficient to determine the role of this variant in disease. Therefore, it has been classified as a Variant of Uncertain Significance.

Ambry Genetics
Classification: Uncertain significance for Cardiovascular phenotype; Hereditary cancer-predisposing syndrome. Last evaluated: 2023-11-14. Review status: criteria provided, single submitter. Criteria: Ambry Variant Classification Scheme 2023. Collection method: clinical testing. Allele origin: germline.
Comment: The p.E454K variant (also known as c.1360G>A), located in coding exon 13 of the LZTR1 gene, results from a G to A substitution at nucleotide position 1360. The glutamic acid at codon 454 is replaced by lysine, an amino acid with similar properties. This amino acid position is highly conserved in available vertebrate species. In addition, the in silico prediction for this alteration is inconclusive. Since supporting evidence is limited at this time, the clinical significance of this alteration remains unclear.